The following is an entry in ClinVar:

NM_005655.4(KLF10):c.757A>C (p.Lys253Gln)

Gene: KLF10 (KLF transcription factor 10; minus strand). Cytogenetic location: 8q22.3.
Variant type: single nucleotide variant.
Coding change: c.757A>C on transcript NM_005655.4 (MANE Select); coding-DNA position 757, A replaced by C.
Protein change: p.Lys253Gln; replaces lysine 253 with glutamine.
Molecular consequence: missense variant.
Genome position (GRCh38, 1-based): chr8:102,651,575, T>G on the plus strand (A>C on the coding strand, the complement: KLF10 is on the minus strand). VCF-style: chr8-102651575-T-G. GRCh37 (hg19) VCF-style: chr8-103663803-T-G.
Other names: c.724A>C, p.Lys242Gln (NM_001032282.4); short protein forms K242Q, K253Q.
Identifiers: ClinVar variation 3632923 (VCV003632923.2).

ClinVar aggregate classification (germline): Uncertain significance (1 of 4 stars; one submission).

gnomAD v4.1: 1 of 1,614,160 alleles (0.000062%); highest among the groups gnomAD compares: Non-Finnish European, 0.000085%; no homozygotes.

Submission:

Labcorp Genetics (formerly Invitae), Labcorp
Classification: Uncertain significance. Last evaluated: 2024-01-19. Review status: criteria provided, single submitter. Criteria: Invitae Variant Classification Sherloc (09022015). Collection method: clinical testing. Allele origin: germline.
Comment: This sequence change replaces lysine, which is basic and polar, with glutamine, which is neutral and polar, at codon 253 of the KLF10 protein (p.Lys253Gln). This variant is not present in population databases (gnomAD no frequency). This variant has not been reported in the literature in individuals affected with KLF10-related conditions. An algorithm developed to predict the effect of missense changes on protein structure and function (PolyPhen-2) suggests that this variant is likely to be tolerated. In summary, the available evidence is currently insufficient to determine the role of this variant in disease. Therefore, it has been classified as a Variant of Uncertain Significance.